The following is an entry in ClinVar:

ClinVar aggregate classification (germline): Likely benign. Review status: criteria provided, multiple submitters, no conflicts (2 of 4 stars). 3 submissions from 3 submitters: Likely benign (2). 1 of the submissions does not count toward it. Last evaluated 2025-07-16.

Conditions:
BRCA2-related disorder. Also called: BRCA2-related condition; BRCA2-related disorders. Identifiers: MedGen CN239275.
Hereditary breast ovarian cancer syndrome. Also called: Hereditary breast and ovarian cancer syndrome (HBOC); Hereditary breast and ovarian cancer syndrome; Breast and ovarian cancer; Hereditary breast and/or ovarian cancer syndrome; Hereditary breast and ovarian cancer; BRCA1- and BRCA2-Associated Hereditary Breast and Ovarian Cancer. Identifiers: Orphanet 145, MedGen C0677776, MeSH D061325, MONDO:0003582. Disease mechanism: loss of function.

gnomAD v4.1: 1 of 1,612,900 alleles (0.000062%); highest among the groups gnomAD compares: Admixed American, 0.0017%; no homozygotes.

Submissions (3):

Labcorp Genetics (formerly Invitae), Labcorp
Classification: Likely benign for Hereditary breast ovarian cancer syndrome. Last evaluated: 2025-07-16. Review status: criteria provided, single submitter. Criteria: Invitae Variant Classification Sherloc (09022015). Collection method: clinical testing. Allele origin: germline.

Women's Health and Genetics/Laboratory Corporation of America, LabCorp
Classification: Likely benign. Last evaluated: 2024-10-13. Review status: criteria provided, single submitter. Criteria: LabCorp Variant Classification Summary - May 2015. Collection method: clinical testing. Allele origin: germline.

PreventionGenetics, part of Exact Sciences
Classification: Likely benign for BRCA2-related condition. Last evaluated: 2023-03-10. Review status: no assertion criteria provided. Collection method: clinical testing. Allele origin: germline. Not counted in ClinVar's aggregate classification.
Comment: This variant is classified as likely benign based on ACMG/AMP sequence variant interpretation guidelines (Richards et al. 2015 PMID: 25741868, with internal and published modifications).

NM_000059.4(BRCA2):c.8755-19A>T

Gene: BRCA2 (BRCA2 DNA repair associated; plus strand). Cytogenetic location: 13q13.1.
Variant type: single nucleotide variant.
Coding change: c.8755-19A>T on transcript NM_000059.4 (MANE Select); 19 bases into the intron before coding-DNA position 8755, A replaced by T.
Molecular consequence: intron variant.
Genome position (GRCh38, 1-based): chr13:32,379,298, A>T. VCF-style: chr13-32379298-A-T. GRCh37 (hg19) VCF-style: chr13-32953435-A-T.
Identifiers: ClinVar variation 462496 (VCV000462496.12), dbSNP rs398122713, ClinGen allele CA658656399.